The following is an entry in ClinVar:

ClinVar aggregate classification (germline): Conflicting classifications of pathogenicity. Review status: criteria provided, conflicting classifications (1 of 4 stars). 7 submissions from 6 submitters: Likely pathogenic (2); Uncertain significance (2). 3 of the submissions do not count toward it. Last evaluated 2025-11-05.

Conditions:
DYNC2H1-related disorder. Also called: DYNC2H1-related disorders; DYNC2H1-related condition. Identifiers: MedGen CN378770.
Jeune thoracic dystrophy. Also called: Short-rib thoracic dysplasia; Jeune syndrome; Infantile thoracic dystrophy; Thoracic pelvic phalangeal dystrophy; Jeune's syndrome; Chondroectodermal dysplasia-like syndrome. Identifiers: Orphanet 474, MedGen C0265275, MONDO:0018770.
Asphyxiating thoracic dystrophy 3. Also called: SHORT-RIB THORACIC DYSPLASIA 3 WITH OR WITHOUT POLYDACTYLY; POLYDACTYLY WITH NEONATAL CHONDRODYSTROPHY, TYPE I; SHORT-RIB THORACIC DYSPLASIA 3/6 WITH POLYDACTYLY, DIGENIC; Saldino-Noonan Syndrome; Short rib polydactyly syndrome 2B. Identifiers: Orphanet 474, Orphanet 93269, Orphanet 93270, Orphanet 93271, MedGen C0036069, MONDO:0013127, OMIM 613091.

Allele frequency attached by ClinVar (database versions not stated): gnomAD exomes below 0.00001; gnomAD 0.00001.
gnomAD v4.1: 1 of 1,610,878 alleles (0.000062%); highest among the groups gnomAD compares: African/African-American, 0.0013%; no homozygotes.

Submissions (7):

PreventionGenetics, part of Exact Sciences
Classification: Uncertain significance for DYNC2H1-related condition. Last evaluated: 2025-11-05. Review status: criteria provided, single submitter. Criteria: ACMG Guidelines, 2015. Collection method: clinical testing. Allele origin: germline.
Comment: The DYNC2H1 c.7409C>G variant is predicted to result in the amino acid substitution p.Ala2470Gly. This variant has been reported along with a second DYNC2H1 variant in two individuals with short-rib polydactyly syndromes (Table S2, Zhang et al. 2018. PubMed ID: 29068549). It is present at an allele frequency of 1 in 31,388 in gnomAD v2. Although we suspect that this variant may be pathogenic, at this time, the clinical significance of this variant is uncertain due to the absence of conclusive functional and genetic evidence.

Labcorp Genetics (formerly Invitae), Labcorp
Classification: Likely pathogenic for Jeune thoracic dystrophy. Last evaluated: 2025-04-17. Review status: criteria provided, single submitter. Criteria: Invitae Variant Classification Sherloc (09022015). Collection method: clinical testing. Allele origin: germline.
Comment: This sequence change replaces alanine, which is neutral and non-polar, with glycine, which is neutral and non-polar, at codon 2470 of the DYNC2H1 protein (p.Ala2470Gly). This variant is not present in population databases (gnomAD no frequency). This missense change has been observed in individuals with short-rib polydactyly syndrome (PMID: 29068549). ClinVar contains an entry for this variant (Variation ID: 446600). Invitae Evidence Modeling of protein sequence and biophysical properties (such as structural, functional, and spatial information, amino acid conservation, physicochemical variation, residue mobility, and thermodynamic stability) indicates that this missense variant is expected to disrupt DYNC2H1 protein function with a positive predictive value of 95%. In summary, the currently available evidence indicates that the variant is pathogenic, but additional data are needed to prove that conclusively. Therefore, this variant has been classified as Likely Pathogenic.

Women's Health and Genetics/Laboratory Corporation of America, LabCorp
Classification: Uncertain significance. Last evaluated: 2025-03-27. Review status: criteria provided, single submitter. Criteria: LabCorp Variant Classification Summary - May 2015. Collection method: clinical testing. Allele origin: germline.
Comment: Variant summary: DYNC2H1 c.7409C>G (p.Ala2470Gly) results in a non-conservative amino acid change in the encoded protein sequence. Four of five in-silico tools predict a damaging effect of the variant on protein function. The variant was absent in 246218 control chromosomes. c.7409C>G has been reported in the literature in compound heterozygous individuals affected with Short-rib thoracic dysplasia (Zhang_2018). These data indicate that the variant may be associated with disease. To our knowledge, no experimental evidence demonstrating an impact on protein function has been reported. The following publication has been ascertained in the context of this evaluation (PMID: 29068549). ClinVar contains an entry for this variant (Variation ID: 446600). Based on the evidence outlined above, the variant was classified as VUS-possibly pathogenic.

GeneDx
Classification: Likely pathogenic. Last evaluated: 2022-08-31. Review status: criteria provided, single submitter. Criteria: GeneDx Variant Classification Process June 2021. Collection method: clinical testing. Allele origin: germline. Affected: yes.
Comment: Not observed at a significant frequency in large population cohorts (gnomAD); In silico analysis supports that this missense variant has a deleterious effect on protein structure/function; This variant is associated with the following publications: (PMID: 29068549)

Dan Cohn Lab, University Of California Los Angeles
Classification: Pathogenic for Asphyxiating thoracic dystrophy 3. Last evaluated: 2017-06-01. Review status: no assertion criteria provided. Collection method: research. Allele origin: unknown. Affected: yes. Not counted in ClinVar's aggregate classification.

University of Washington Center for Mendelian Genomics, University of Washington
Classification: Likely pathogenic for Asphyxiating thoracic dystrophy 3. Review status: no assertion criteria provided. Collection method: research. Allele origin: inherited. Affected: yes. Not counted in ClinVar's aggregate classification.

Dan Cohn Lab, University Of California Los Angeles
Classification: Pathogenic for Asphyxiating thoracic dystrophy 3. Last evaluated: 2017-06-01. Review status: flagged submission. Collection method: research. Allele origin: unknown. Affected: yes. Not counted in ClinVar's aggregate classification.
ClinVar note: Reason: This record appears to be redundant with a more recent record from the same submitter.
ClinVar note: Notes: SCV000612000 appears to be redundant with SCV000612010.

Literature cited by the submitters: PubMed 29068549 (cited by 4 submitters).

NM_001377.3(DYNC2H1):c.7409C>G (p.Ala2470Gly)

Gene: DYNC2H1 (dynein cytoplasmic 2 heavy chain 1; plus strand). Cytogenetic location: 11q22.3.
Variant type: single nucleotide variant.
Coding change: c.7409C>G on transcript NM_001377.3 (MANE Select); coding-DNA position 7409, C replaced by G.
Protein change: p.Ala2470Gly; replaces alanine 2470 with glycine.
Molecular consequence: missense variant.
Genome position (GRCh38, 1-based): chr11:103,189,788, C>G. VCF-style: chr11-103189788-C-G. GRCh37 (hg19) VCF-style: chr11-103060517-C-G.
Other names: c.7409C>G, p.Ala2470Gly (NM_001080463.2); short protein forms A2470G.
Identifiers: ClinVar variation 446600 (VCV000446600.16), dbSNP rs1555062849, ClinGen allele CA382253944.